The following is an entry in ClinVar:

NM_001205293.3(CACNA1E):c.3989+4A>G

Gene: CACNA1E (calcium voltage-gated channel subunit alpha1 E; plus strand). Cytogenetic location: 1q25.3.
Variant type: single nucleotide variant.
Coding change: c.3989+4A>G on transcript NM_001205293.3 (MANE Select); 4 bases into the intron after coding-DNA position 3989, A replaced by G.
Molecular consequence: intron variant.
Genome position (GRCh38, 1-based): chr1:181,755,401, A>G. VCF-style: chr1-181755401-A-G. GRCh37 (hg19) VCF-style: chr1-181724537-A-G.
Other names: c.3989+4A>G (NM_000721.4); c.3932+4A>G (NM_001205294.2).
Identifiers: ClinVar variation 1461908 (VCV001461908.6), dbSNP rs748273284, ClinGen allele CA1275741.

ClinVar aggregate classification (germline): Uncertain significance (1 of 4 stars; one submission).

Allele frequency attached by ClinVar (database versions not stated): ExAC 0.00001; gnomAD exomes 0.00001 and 0.00004; TOPMed 0.00001.
gnomAD v4.1: 4 of 1,613,008 alleles (0.00025%); highest among the groups gnomAD compares: East Asian, 0.0089%; no homozygotes.

Submission:

Labcorp Genetics (formerly Invitae), Labcorp
Classification: Uncertain significance. Last evaluated: 2024-05-15. Review status: criteria provided, single submitter. Criteria: Invitae Variant Classification Sherloc (09022015). Collection method: clinical testing. Allele origin: germline.
Comment: This sequence change falls in intron 28 of the CACNA1E gene. It does not directly change the encoded amino acid sequence of the CACNA1E protein. It affects a nucleotide within the consensus splice site. This variant is present in population databases (rs748273284, gnomAD 0.05%). This variant has not been reported in the literature in individuals affected with CACNA1E-related conditions. ClinVar contains an entry for this variant (Variation ID: 1461908). Variants that disrupt the consensus splice site are a relatively common cause of aberrant splicing (PMID: 17576681, 9536098). Algorithms developed to predict the effect of sequence changes on RNA splicing suggest that this variant is not likely to affect RNA splicing. In summary, the available evidence is currently insufficient to determine the role of this variant in disease. Therefore, it has been classified as a Variant of Uncertain Significance.

Literature cited by the submitters: PubMed 17576681; PubMed 9536098.